The following is an entry in ClinVar:

ClinVar aggregate classification (germline): Uncertain significance (1 of 4 stars; one submission).

Submission:

Labcorp Genetics (formerly Invitae), Labcorp
Classification: Uncertain significance. Last evaluated: 2025-03-17. Review status: criteria provided, single submitter. Criteria: Invitae Variant Classification Sherloc (09022015). Collection method: clinical testing. Allele origin: germline.
Comment: This sequence change replaces asparagine, which is neutral and polar, with lysine, which is basic and polar, at codon 1208 of the CDK13 protein (p.Asn1208Lys). This variant is not present in population databases (gnomAD no frequency). This variant has not been reported in the literature in individuals affected with CDK13-related conditions. ClinVar contains an entry for this variant (Variation ID: 2127947). Invitae Evidence Modeling of protein sequence and biophysical properties (such as structural, functional, and spatial information, amino acid conservation, physicochemical variation, residue mobility, and thermodynamic stability) indicates that this missense variant is not expected to disrupt CDK13 protein function with a negative predictive value of 95%. In summary, the available evidence is currently insufficient to determine the role of this variant in disease. Therefore, it has been classified as a Variant of Uncertain Significance.

NM_003718.5(CDK13):c.3624T>G (p.Asn1208Lys)

Gene: CDK13 (cyclin dependent kinase 13; plus strand). Cytogenetic location: 7p14.1.
Variant type: single nucleotide variant.
Coding change: c.3624T>G on transcript NM_003718.5 (MANE Select); coding-DNA position 3624, T replaced by G.
Protein change: p.Asn1208Lys; replaces asparagine 1208 with lysine.
Molecular consequence: missense variant.
Genome position (GRCh38, 1-based): chr7:40,093,173, T>G. VCF-style: chr7-40093173-T-G. GRCh37 (hg19) VCF-style: chr7-40132772-T-G.
Other names: c.3444T>G, p.Asn1148Lys (NM_031267.4); short protein forms N1148K, N1208K.
Identifiers: ClinVar variation 2127947 (VCV002127947.4), dbSNP rs2484068230, ClinGen allele CA367295427.